The following is an entry in ClinVar:

NM_000083.3(CLCN1):c.1111del (p.Gln371fs)

Gene: CLCN1 (chloride voltage-gated channel 1; plus strand). Cytogenetic location: 7q34.
Variant type: Deletion.
Coding change: c.1111del on transcript NM_000083.3 (MANE Select); coding-DNA position 1111, one base deleted (C; older notation c.1111delC).
Protein change: p.Gln371fs; shifts the reading frame from glutamine 371.
Molecular consequence: frameshift variant. On other transcripts: non-coding transcript variant (1).
Genome position (GRCh38, 1-based): chr7:143,331,597, C deleted; the last of 2 consecutive C bases (chr7:143,331,596-143,331,597); deleting either gives the same sequence. VCF-style (leftmost placement, unchanged base first): chr7-143331595-GC-G. GRCh37 (hg19) VCF-style: chr7-143028688-GC-G.
Other names: short protein forms Q371fs.
Identifiers: ClinVar variation 2136618 (VCV002136618.3), dbSNP rs1295805735, ClinGen allele CA578445437.
Genomic context (GRCh38, chr7:143,331,595, plus strand): 5'-TAAATTACACCCTCAGGATTTGCTGTGGGCTCCTGGGAGCTGTATTTGTGTATCTGCATC[GC>G]CAAGTCATGCTCGGTGTCCGAAAGCACAAGGCCCTCAGCCAGTTTCTTGCTAAGCAGTGA-3'

ClinVar aggregate classification (germline): Pathogenic (1 of 4 stars; one submission).

Conditions:
Congenital myotonia, autosomal recessive form. Also called: BECKER DISEASE; Becker Generalized Myotonia; myotonia congenita, autosomal recessive. Identifiers: Orphanet 614, MedGen C0751360, MONDO:0009715, OMIM 255700.
Congenital myotonia, autosomal dominant form (THD). Also called: THOMSEN DISEASE; Myotonia congenita autosomal dominant. Identifiers: Orphanet 614, MedGen C2936781, MONDO:0008055, OMIM 160800.

Submission:

Labcorp Genetics (formerly Invitae), Labcorp
Classification: Pathogenic for Congenital myotonia, autosomal recessive form; Congenital myotonia, autosomal dominant form. Last evaluated: 2024-06-04. Review status: criteria provided, single submitter. Criteria: Invitae Variant Classification Sherloc (09022015). Collection method: clinical testing. Allele origin: germline.
Comment: This sequence change creates a premature translational stop signal (p.Gln371Lysfs*48) in the CLCN1 gene. It is expected to result in an absent or disrupted protein product. Loss-of-function variants in CLCN1 are known to be pathogenic (PMID: 17932099, 22094069, 23739125). This variant is present in population databases (no rsID available, gnomAD 0.007%). This premature translational stop signal has been observed in individual(s) with autosomal recessive myotonia congenita (PMID: 21221019). ClinVar contains an entry for this variant (Variation ID: 2136618). Algorithms developed to predict the effect of sequence changes on RNA splicing suggest that this variant may disrupt the consensus splice site. For these reasons, this variant has been classified as Pathogenic.

Literature cited by the submitters: PubMed 17932099; PubMed 22094069; PubMed 23739125; PubMed 21221019.